The following is an entry in ClinVar:

NM_000057.4(BLM):c.1253A>T (p.Lys418Ile)

Gene: BLM (BLM RecQ like helicase; plus strand). Cytogenetic location: 15q26.1.
Variant type: single nucleotide variant.
Coding change: c.1253A>T on transcript NM_000057.4 (MANE Select); coding-DNA position 1253, A replaced by T.
Protein change: p.Lys418Ile; replaces lysine 418 with isoleucine.
Molecular consequence: missense variant.
Genome position (GRCh38, 1-based): chr15:90,760,626, A>T. VCF-style: chr15-90760626-A-T. GRCh37 (hg19) VCF-style: chr15-91303856-A-T.
Other names: c.1253A>T, p.Lys418Ile (NM_001287246.2, NM_001287247.2); c.128A>T, p.Lys43Ile (NM_001287248.2); short protein forms K418I, K43I.
Identifiers: ClinVar variation 2692784 (VCV002692784.3), dbSNP rs2505424043, ClinGen allele CA393842658.

ClinVar aggregate classification (germline): Uncertain significance (1 of 4 stars; one submission).

Conditions:
Bloom syndrome (BLM). Also called: Bloom-Torre-Machacek syndrome. Identifiers: Orphanet 125, MedGen C0005859, MONDO:0008876, OMIM 210900.

Submission:

Labcorp Genetics (formerly Invitae), Labcorp
Classification: Uncertain significance for Bloom syndrome. Last evaluated: 2023-11-02. Review status: criteria provided, single submitter. Criteria: Invitae Variant Classification Sherloc (09022015). Collection method: clinical testing. Allele origin: germline.
Comment: This sequence change replaces lysine, which is basic and polar, with isoleucine, which is neutral and non-polar, at codon 418 of the BLM protein (p.Lys418Ile). This variant is not present in population databases (gnomAD no frequency). This variant has not been reported in the literature in individuals affected with BLM-related conditions. Advanced modeling of protein sequence and biophysical properties (such as structural, functional, and spatial information, amino acid conservation, physicochemical variation, residue mobility, and thermodynamic stability) performed at Invitae indicates that this missense variant is not expected to disrupt BLM protein function with a negative predictive value of 80%. In summary, the available evidence is currently insufficient to determine the role of this variant in disease. Therefore, it has been classified as a Variant of Uncertain Significance.